The following is an entry in ClinVar:

NM_003000.3(SDHB):c.541-1G>T

Gene: SDHB (succinate dehydrogenase complex iron sulfur subunit B; minus strand). Cytogenetic location: 1p36.13.
Variant type: single nucleotide variant.
Coding change: c.541-1G>T on transcript NM_003000.3 (MANE Select); the canonical splice acceptor site of the intron before coding-DNA position 541, G replaced by T.
Molecular consequence: splice acceptor variant.
Genome position (GRCh38, 1-based): chr1:17,024,075, C>A on the plus strand (G>T on the coding strand, the complement: SDHB is on the minus strand). VCF-style: chr1-17024075-C-A. GRCh37 (hg19) VCF-style: chr1-17350570-C-A.
Other names: c.487-1G>T (NM_001407361.1).
Identifiers: ClinVar variation 825712 (VCV000825712.5), dbSNP rs1570945961, ClinGen allele CA338271499.

ClinVar aggregate classification (germline): Pathogenic/Likely pathogenic. Review status: criteria provided, multiple submitters, no conflicts (2 of 4 stars). 2 submissions from 2 submitters: Pathogenic (1); Likely pathogenic (1). Last evaluated 2019-06-19.

Conditions:
Hereditary cancer-predisposing syndrome. Also called: Hereditary Cancer Syndrome; Tumor predisposition; Neoplastic Syndromes, Hereditary; Hereditary neoplastic syndrome. Identifiers: Orphanet 140162, MedGen C0027672, MeSH D009386, MONDO:0015356.
Hereditary pheochromocytoma and paraganglioma. Also called: Hereditary pheochromocytoma-paraganglioma; Hereditary paragangliomas and pheochromocytomas; Hereditary Paraganglioma-Pheochromocytoma Syndromes. Identifiers: Orphanet 29072, MedGen C4274332, MONDO:0017366.

Submissions (2):

Ambry Genetics
Classification: Pathogenic for Hereditary cancer-predisposing syndrome. Last evaluated: 2019-06-19. Review status: criteria provided, single submitter. Criteria: Ambry Variant Classification Scheme 2023. Collection method: clinical testing. Allele origin: germline.
Comment: The c.541-1G>T intronic pathogenic mutation results from a G to T substitution one nucleotide upstream from coding exon 6 of the SDHB gene. Another alteration at this canonical splice junction (c.541-2A>G) has been identified in numerous individuals with pheochromocytoma and/or paraganglioma. Alterations that disrupt the canonical splice site are expected to cause aberrant splicing, resulting in an abnormal protein or a transcript that is subject to nonsense-mediated mRNA decay. As such, this alteration is classified as a disease-causing mutation.

Laboratory for Molecular Medicine, Mass General Brigham Personalized Medicine
Classification: Likely pathogenic for Hereditary pheochromocytoma and paraganglioma. Last evaluated: 2016-06-07. Review status: criteria provided, single submitter. Criteria: ACMG Guidelines, 2015. Collection method: clinical testing. Allele origin: germline. Inheritance: Autosomal dominant inheritance.
Comment: The c.541-1G>T variant in SDHB has not been previously reported in individuals with hereditary paraganglioma-pheochromocytoma or in large population studies. This variant occurs in the invariant region (+/- 1,2) of the splice consensus sequence and is predicted to cause altered splicing leading to an abnormal or absent protein. Heterozygous loss of function of the SDHB gene is an established disease mechanism in individuals with hereditary paraganglioma-pheochromocytoma. In summary, although additional studies are required to fully establish its clinical significance, the c.541-1G>T variant is likely pathogenic for hereditary paragangliomas and pheochromocytomas.